The following is an entry in ClinVar:

NM_004667.6(HERC2):c.1411C>T (p.Arg471Cys)

Gene: HERC2 (HECT and RLD domain containing E3 ubiquitin protein ligase 2; minus strand). Cytogenetic location: 15q13.1.
Variant type: single nucleotide variant.
Coding change: c.1411C>T on transcript NM_004667.6 (MANE Select); coding-DNA position 1411, C replaced by T.
Protein change: p.Arg471Cys; replaces arginine 471 with cysteine.
Molecular consequence: missense variant.
Genome position (GRCh38, 1-based): chr15:28,269,283, G>A on the plus strand (C>T on the coding strand, the complement: HERC2 is on the minus strand). VCF-style: chr15-28269283-G-A. GRCh37 (hg19) VCF-style: chr15-28514429-G-A.
Other names: short protein forms R471C.
Identifiers: ClinVar variation 520780 (VCV000520780.5), dbSNP rs768897624, ClinGen allele CA7443469.

ClinVar aggregate classification (germline): Uncertain significance. Review status: criteria provided, multiple submitters, no conflicts (2 of 4 stars). 2 submissions from 2 submitters: Uncertain significance (2). Last evaluated 2018-04-26.

Conditions:
Developmental delay with autism spectrum disorder and gait instability (MRT38). Also called: Intellectual developmental disorder, autosomal recessive 38. Identifiers: Orphanet 329195, MedGen C3809753, MONDO:0014224, OMIM 615516.
Inborn genetic diseases. Identifiers: MedGen C0950123, MeSH D030342.

Allele frequency attached by ClinVar (database versions not stated): gnomAD exomes 0.00001 and 0.00003; ExAC 0.00002; TOPMed 0.00003; gnomAD 0.00005 and 0.00006.

Submissions (2):

Baylor Genetics
Classification: Uncertain significance for Developmental delay with autism spectrum disorder and gait instability. Last evaluated: 2018-04-26. Review status: criteria provided, single submitter. Criteria: ACMG Guidelines, 2015. Collection method: clinical testing. Allele origin: paternal. Affected: yes.
Comment: This variant was determined to be of uncertain significance according to ACMG Guidelines, 2015 [PMID:25741868].

Ambry Genetics
Classification: Uncertain significance for Inborn genetic diseases. Last evaluated: 2015-10-06. Review status: criteria provided, single submitter. Criteria: Ambry exome assertion method (8-5-2015). Collection method: clinical testing. Allele origin: germline. Affected: yes. Observed: 1 variant allele.